The following is an entry in ClinVar:

ClinVar aggregate classification (germline): Uncertain significance (1 of 4 stars; one submission).

Conditions:
Myopathy, centronuclear, 2 (CNM2). Also called: MYOTUBULAR MYOPATHY, AUTOSOMAL RECESSIVE. Identifiers: Orphanet 169186, MedGen CN031787, MONDO:0009709, OMIM 255200.

Submission:

Labcorp Genetics (formerly Invitae), Labcorp
Classification: Uncertain significance for Myopathy, centronuclear, 2. Last evaluated: 2026-01-21. Review status: criteria provided, single submitter. Criteria: Invitae Variant Classification Sherloc (09022015). Collection method: clinical testing. Allele origin: germline.
Comment: This variant, c.496_498del, results in the deletion of 1 amino acid(s) of the BIN1 protein (p.Lys166del), but otherwise preserves the integrity of the reading frame. This variant is present in population databases (rs775374523, gnomAD 0.003%). This variant has not been reported in the literature in individuals affected with BIN1-related conditions. Experimental studies and prediction algorithms are not available or were not evaluated, and the functional significance of this variant is currently unknown. In summary, the available evidence is currently insufficient to determine the role of this variant in disease. Therefore, it has been classified as a Variant of Uncertain Significance.

NM_139343.3(BIN1):c.493AAG[1] (p.Lys166del)

Gene: BIN1 (bridging integrator 1; minus strand). Cytogenetic location: 2q14.3.
Variant type: Microsatellite.
Coding change: c.493AAG[1] on transcript NM_139343.3 (MANE Select); one copy of the 3-base unit AAG starting at c.493; the reference has two copies in a row; one copy, 3 bases deleted.
Protein change: p.Lys166del; deletes lysine 166.
Molecular consequence: inframe deletion.
Genome position (GRCh38, 1-based): chr2:127,068,945-127,068,947, CTT deleted on the plus strand (AAG on the coding strand, the reverse complement: BIN1 is on the minus strand); deleting any 3 consecutive bases within chr2:127,068,945-127,068,950 gives the same sequence; the position shown is the placement nearest the transcript's 3' end. VCF-style (leftmost placement, unchanged base first): chr2-127068944-CCTT-C. GRCh37 (hg19) VCF-style: chr2-127826520-CCTT-C.
Other names: c.493AAG[1], p.Lys166del (NM_001320632.2, NM_001320633.2, NM_001320640.2 and 10 more transcripts); c.421AAG[1], p.Lys142del (NM_001320634.1); c.412AAG[1], p.Lys139del (NM_001320642.1); short protein forms K142del, K139del, K166del.
Identifiers: ClinVar variation 1398601 (VCV001398601.6), dbSNP rs775374523, ClinGen allele CA1857469.